The following is an entry in ClinVar:

NM_052947.4(ALPK2):c.5559G>T (p.Gln1853His)

Gene: ALPK2 (alpha kinase 2; minus strand). Cytogenetic location: 18q21.31.
Variant type: single nucleotide variant.
Coding change: c.5559G>T on transcript NM_052947.4 (MANE Select); coding-DNA position 5559, G replaced by T.
Protein change: p.Gln1853His; replaces glutamine 1853 with histidine.
Molecular consequence: missense variant.
Genome position (GRCh38, 1-based): chr18:58,524,005, C>A on the plus strand (G>T on the coding strand, the complement: ALPK2 is on the minus strand). VCF-style: chr18-58524005-C-A. GRCh37 (hg19) VCF-style: chr18-56191237-C-A.
Other names: short protein forms Q1853H.
Identifiers: ClinVar variation 3290749 (VCV003290749.1).
Genomic context (GRCh38, chr18:58,524,005, plus strand): 5'-GAGGTTAAATTCAGCAGTCACTTTTCCGTAGCTGTTCTTGATGCAGCAGTAATAGAGTCC[C>A]TGGTCCTTCGGACTGGCTTGCACGATGGCAAAGGAAACAGTGGAGTTGTCCCCTGCACTG-3'
Protein context (NP_443179.3, residues 1843-1863): FAIVQASPKD[Gln1853His]GLYYCCIKNS

ClinVar aggregate classification (germline): Uncertain significance (1 of 4 stars; one submission).

Submission:

Ambry Genetics
Classification: Uncertain significance. Last evaluated: 2024-06-15. Review status: criteria provided, single submitter. Criteria: Ambry Variant Classification Scheme 2023. Collection method: clinical testing. Allele origin: germline.
Comment: The p.Q1853H variant (also known as c.5559G>T), located in coding exon 6 of the ALPK2 gene, results from a G to T substitution at nucleotide position 5559. The glutamine at codon 1853 is replaced by histidine, an amino acid with highly similar properties. This amino acid position is conserved. In addition, this alteration is predicted to be tolerated by in silico analysis. Based on the available evidence, the clinical significance of this variant remains unclear.